The following is an entry in ClinVar:

NM_000059.4(BRCA2):c.3066dup (p.Asn1023Ter)

Gene: BRCA2 (BRCA2 DNA repair associated; plus strand). Cytogenetic location: 13q13.1.
Variant type: Duplication.
Coding change: c.3066dup on transcript NM_000059.4 (MANE Select); coding-DNA position 3066, one base duplicated (T; older notation c.3066dupT).
Protein change: p.Asn1023Ter; replaces asparagine 1023 with a stop codon.
Molecular consequence: nonsense.
Genome position (GRCh38, 1-based): chr13:32,337,421, T duplicated. VCF-style (leftmost placement, unchanged base first): chr13-32337420-A-AT. GRCh37 (hg19) VCF-style: chr13-32911557-A-AT.
Other names: 3294insT; c.3066dupT (NM_000059.3, NM_000059.4); short protein forms N1023*.
Identifiers: ClinVar variation 266733 (VCV000266733.19), dbSNP rs886040458, ClinGen allele CA10589185.

ClinVar aggregate classification (germline): Pathogenic. Review status: reviewed by expert panel (3 of 4 stars). 8 submissions from 8 submitters: Pathogenic (1). 7 of the submissions do not count toward it. Last evaluated 2016-10-18.

Conditions:
Familial cancer of breast. Also called: Hereditary breast cancer; BREAST CANCER, FAMILIAL; hereditary breast carcinoma. Identifiers: Orphanet 227535, MedGen C0346153, MONDO:0016419, OMIM 114480. Disease mechanism: loss of function.
Hereditary breast ovarian cancer syndrome. Also called: Hereditary breast and ovarian cancer; Hereditary breast and ovarian cancer syndrome (HBOC); Hereditary breast and/or ovarian cancer syndrome; Breast and ovarian cancer; Hereditary breast and ovarian cancer syndrome; BRCA1- and BRCA2-Associated Hereditary Breast and Ovarian Cancer. Identifiers: Orphanet 145, MedGen C0677776, MeSH D061325, MONDO:0003582. Disease mechanism: loss of function.
Hereditary cancer-predisposing syndrome. Also called: Tumor predisposition; Neoplastic Syndromes, Hereditary; Hereditary neoplastic syndrome; Hereditary Cancer Syndrome. Identifiers: Orphanet 140162, MedGen C0027672, MeSH D009386, MONDO:0015356.
Breast-ovarian cancer, familial, susceptibility to, 2 (BROVCA2). Also called: BRCA2 Hereditary Breast and Ovarian Cancer. Identifiers: Orphanet 145, MedGen C2675520, MONDO:0012933, OMIM 612555. Disease mechanism: loss of function.

Submissions (8):

Evidence-based Network for the Interpretation of Germline Mutant Alleles (ENIGMA)
Classification: Pathogenic for Breast-ovarian cancer, familial, susceptibility to, 2. Last evaluated: 2016-10-18. Review status: reviewed by expert panel. Criteria: ENIGMA BRCA1/2 Classification Criteria (2015). Collection method: curation. Allele origin: germline.
Comment: Variant allele predicted to encode a truncated non-functional protein.

Women's Health and Genetics/Laboratory Corporation of America, LabCorp
Classification: Pathogenic for Hereditary breast ovarian cancer syndrome. Last evaluated: 2025-11-17. Review status: criteria provided, single submitter. Criteria: LabCorp Variant Classification Summary - May 2015. Collection method: clinical testing. Allele origin: germline. Not counted in ClinVar's aggregate classification.
Comment: Variant summary: BRCA2 c.3066dupT (p.Asn1023X) results in a premature termination codon, predicted to cause a truncation of the encoded protein or absence of the protein due to nonsense mediated decay, which are commonly known mechanisms for disease. The variant was absent in 250218 control chromosomes. c.3066dupT has been observed in at least 1 individual(s) affected with clinical features of Hereditary Breast And Ovarian Cancer Syndrome (example, Kechin_2023). The following publications have been ascertained in the context of this evaluation (PMID: 29489754, 29446198, 36367610). ClinVar contains an entry for this variant (Variation ID: 266733). Based on the evidence outlined above, the variant was classified as pathogenic.

Quest Diagnostics Nichols Institute San Juan Capistrano
Classification: Pathogenic. Last evaluated: 2025-04-07. Review status: criteria provided, single submitter. Criteria: Quest Diagnostics criteria. Collection method: clinical testing. Allele origin: unknown. Not counted in ClinVar's aggregate classification.
Comment: The BRCA2 c.3066dup (p.Asn1023*) variant causes the premature termination of BRCA2 protein synthesis. This variant has been reported in the published literature in an individual with ovarian cancer (PMID: 36367610 (2023)), pilocytic astrocytoma (PMID: 29489754 (2018)) and in families of BRCA1/2 variant carriers (PMID: 29446198 (2018)). This variant has not been reported in large, multi-ethnic general populations (Genome Aggregation Database). Based on the available information, this variant is classified as pathogenic.

Labcorp Genetics (formerly Invitae), Labcorp
Classification: Pathogenic for Hereditary breast ovarian cancer syndrome. Last evaluated: 2024-12-03. Review status: criteria provided, single submitter. Criteria: Invitae Variant Classification Sherloc (09022015). Collection method: clinical testing. Allele origin: germline. Not counted in ClinVar's aggregate classification.
Comment: This sequence change creates a premature translational stop signal (p.Asn1023*) in the BRCA2 gene. It is expected to result in an absent or disrupted protein product. Loss-of-function variants in BRCA2 are known to be pathogenic (PMID: 20104584). This variant is not present in population databases (gnomAD no frequency). This premature translational stop signal has been observed in individual(s) with pilocytic astrocytoma and high risk of breast and/or ovarian cancer (PMID: 29446198, 29489754). ClinVar contains an entry for this variant (Variation ID: 266733). For these reasons, this variant has been classified as Pathogenic.

Baylor Genetics
Classification: Pathogenic for Familial cancer of breast. Last evaluated: 2024-02-09. Review status: criteria provided, single submitter. Criteria: ACMG Guidelines, 2015. Collection method: clinical testing. Allele origin: unknown. Not counted in ClinVar's aggregate classification.

GeneDx
Classification: Pathogenic. Last evaluated: 2023-05-10. Review status: criteria provided, single submitter. Criteria: GeneDx Variant Classification Process June 2021. Collection method: clinical testing. Allele origin: germline. Affected: yes. Not counted in ClinVar's aggregate classification.
Comment: Nonsense variant predicted to result in protein truncation or nonsense mediated decay in a gene for which loss of function is a known mechanism of disease; Not observed at significant frequency in large population cohorts (gnomAD); Truncating variants in this gene are considered pathogenic by a well-established clinical consortium and/or database; Also known as 3294dup; Observed in individuals with a personal and/or family history of BRCA2-related cancers (Rebbeck et al., 2018); This variant is associated with the following publications: (PMID: 36311816, 29446198, 29489754)

Ambry Genetics
Classification: Pathogenic for Hereditary cancer-predisposing syndrome. Last evaluated: 2023-02-28. Review status: criteria provided, single submitter. Criteria: Ambry Variant Classification Scheme 2023. Collection method: clinical testing. Allele origin: germline. Not counted in ClinVar's aggregate classification.
Comment: The c.3066dupT pathogenic mutation, located in coding exon 10 of the BRCA2 gene, results from a duplication of T at nucleotide position 3066, causing a translational frameshift with a predicted alternate stop codon (p.N1023*). This alteration was identified in a large, worldwide study of BRCA1/2 mutation positive families (Rebbeck TR et al. Hum Mutat, 2018 May;39:593-620). This variant is considered to be rare based on population cohorts in the Genome Aggregation Database (gnomAD). In addition to the clinical data presented in the literature, this alteration is expected to result in loss of function by premature protein truncation or nonsense-mediated mRNA decay. As such, this alteration is interpreted as a disease-causing mutation.

Consortium of Investigators of Modifiers of BRCA1/2 (CIMBA), c/o University of Cambridge
Classification: Pathogenic for Breast-ovarian cancer, familial, susceptibility to, 2. Last evaluated: 2015-10-02. Review status: criteria provided, single submitter. Criteria: CIMBA Mutation Classification guidelines May 2016. Collection method: clinical testing. Allele origin: germline. Not counted in ClinVar's aggregate classification.

Literature cited by the submitters: PubMed 29446198 (cited by 4 submitters); PubMed 36367610 (cited by Women's Health and Genetics/Laboratory Corporation of America, LabCorp and Quest Diagnostics Nichols Institute San Juan Capistrano); PubMed 29489754 (cited by 3 submitters); PubMed 20104584 (cited by Labcorp Genetics (formerly Invitae), Labcorp).